The following is an entry in ClinVar:

NM_022772.4(EPS8L2):c.1220C>T (p.Pro407Leu)

Gene: EPS8L2 (EPS8 signaling adaptor L2; plus strand). Cytogenetic location: 11p15.5.
Variant type: single nucleotide variant.
Coding change: c.1220C>T on transcript NM_022772.4 (MANE Select); coding-DNA position 1220, C replaced by T.
Protein change: p.Pro407Leu; replaces proline 407 with leucine.
Molecular consequence: missense variant.
Genome position (GRCh38, 1-based): chr11:722,684, C>T. VCF-style: chr11-722684-C-T. GRCh37 (hg19) VCF-style: chr11-722684-C-T.
Other names: c.1220C>T (NM_022772.3); short protein forms P407L.
Identifiers: ClinVar variation 1501831 (VCV001501831.7), dbSNP rs755470393, ClinGen allele CA5787558.

ClinVar aggregate classification (germline): Uncertain significance. Review status: criteria provided, multiple submitters, no conflicts (2 of 4 stars). 2 submissions from 2 submitters: Uncertain significance (2). Last evaluated 2025-08-30.

Allele frequency attached by ClinVar (database versions not stated): ExAC 0.00001; gnomAD exomes 0.00001 and 0.00002; TOPMed 0.00001.
gnomAD v4.1: 12 of 1,607,272 alleles (0.00075%); highest among the groups gnomAD compares: South Asian, 0.0022%; no homozygotes.

Submissions (2):

Ambry Genetics
Classification: Uncertain significance. Last evaluated: 2025-08-30. Review status: criteria provided, single submitter. Criteria: Ambry Variant Classification Scheme 2023. Collection method: clinical testing. Allele origin: germline.

Labcorp Genetics (formerly Invitae), Labcorp
Classification: Uncertain significance. Last evaluated: 2023-08-30. Review status: criteria provided, single submitter. Criteria: Invitae Variant Classification Sherloc (09022015). Collection method: clinical testing. Allele origin: germline.
Comment: This sequence change replaces proline, which is neutral and non-polar, with leucine, which is neutral and non-polar, at codon 407 of the EPS8L2 protein (p.Pro407Leu). The frequency data for this variant in the population databases is considered unreliable, as metrics indicate poor data quality at this position in the gnomAD database. In summary, the available evidence is currently insufficient to determine the role of this variant in disease. Therefore, it has been classified as a Variant of Uncertain Significance. An algorithm developed to predict the effect of missense changes on protein structure and function (PolyPhen-2) suggests that this variant is likely to be disruptive. ClinVar contains an entry for this variant (Variation ID: 1501831). This variant has not been reported in the literature in individuals affected with EPS8L2-related conditions.